The following is an entry in ClinVar:

NM_052989.3(IFT122):c.1198C>T (p.Arg400Ter)

Gene: IFT122 (intraflagellar transport 122; plus strand). Cytogenetic location: 3q21.3.
Variant type: single nucleotide variant.
Coding change: c.1198C>T on transcript NM_052989.3 (MANE Select); coding-DNA position 1198, C replaced by T.
Protein change: p.Arg400Ter; replaces arginine 400 with a stop codon.
Molecular consequence: nonsense.
Genome position (GRCh38, 1-based): chr3:129,478,066, C>T. VCF-style: chr3-129478066-C-T. GRCh37 (hg19) VCF-style: chr3-129196909-C-T.
Other names: c.1174C>T, p.Arg392Ter (NM_001280541.2); c.748C>T, p.Arg250Ter (NM_001280545.2); c.1198C>T, p.Arg400Ter (NM_001410809.1, NM_001410808.1); c.1021C>T, p.Arg341Ter (NM_001410810.1, NM_001410811.1, NM_001410813.1 and 1 more transcripts); c.1351C>T, p.Arg451Ter (NM_052985.4); c.865C>T, p.Arg289Ter (NM_052990.3, NM_001410815.1, NM_001410817.1); c.571C>T, p.Arg191Ter (NM_001280546.2); short protein forms R250*, R191*, R289*, R341*, R392*, R400*, R451*.
Identifiers: ClinVar variation 2156861 (VCV002156861.4), dbSNP rs369346055, ClinGen allele CA2606105.

ClinVar aggregate classification (germline): Pathogenic (1 of 4 stars; one submission).

Conditions:
Cranioectodermal dysplasia 1 (CED1). Also called: LEVIN SYNDROME I. Identifiers: Orphanet 1515, MedGen C0432235, MONDO:0021093, OMIM 218330.

Allele frequency attached by ClinVar (database versions not stated): ExAC 0.00001; gnomAD 0.00002; TOPMed 0.00004; ESP Exome Variant Server 0.00008.

Submission:

Labcorp Genetics (formerly Invitae), Labcorp
Classification: Pathogenic for Cranioectodermal dysplasia 1. Last evaluated: 2024-05-19. Review status: criteria provided, single submitter. Criteria: Invitae Variant Classification Sherloc (09022015). Collection method: clinical testing. Allele origin: germline.
Comment: This sequence change creates a premature translational stop signal (p.Arg451*) in the IFT122 gene. It is expected to result in an absent or disrupted protein product. Loss-of-function variants in IFT122 are known to be pathogenic (PMID: 20493458, 23826986, 26792575). This variant is present in population databases (rs369346055, gnomAD 0.004%). This variant has not been reported in the literature in individuals affected with IFT122-related conditions. ClinVar contains an entry for this variant (Variation ID: 2156861). For these reasons, this variant has been classified as Pathogenic.

Literature cited by the submitters: PubMed 20493458; PubMed 23826986; PubMed 26792575.